The following is an entry in ClinVar:

NM_000088.4(COL1A1):c.3822C>G (p.Tyr1274Ter)

Gene: COL1A1 (collagen type I alpha 1 chain; minus strand). Cytogenetic location: 17q21.33.
Variant type: single nucleotide variant.
Coding change: c.3822C>G on transcript NM_000088.4 (MANE Select); coding-DNA position 3822, C replaced by G.
Protein change: p.Tyr1274Ter; replaces tyrosine 1274 with a stop codon.
Molecular consequence: nonsense.
Genome position (GRCh38, 1-based): chr17:50,186,500, G>C on the plus strand (C>G on the coding strand, the complement: COL1A1 is on the minus strand). VCF-style: chr17-50186500-G-C. GRCh37 (hg19) VCF-style: chr17-48263861-G-C.
Other names: short protein forms Y1274*.
Identifiers: ClinVar variation 4819332 (VCV004819332.2).

ClinVar aggregate classification (germline): Pathogenic/Likely pathogenic. Review status: criteria provided, multiple submitters, no conflicts (2 of 4 stars). 2 submissions from 2 submitters: Pathogenic (1); Likely pathogenic (1). Last evaluated 2022-12-15.

Conditions:
Osteogenesis imperfecta type I (OI1). Also called: OI, TYPE I; OSTEOGENESIS IMPERFECTA TARDA; OSTEOGENESIS IMPERFECTA WITH BLUE SCLERAE; Osteogenesis imperfecta type 1; Lobstein's Disease; Lobstein disease. Identifiers: Orphanet 216796, Orphanet 666, MedGen C0023931, MONDO:0008146, OMIM 166200. Disease mechanism: loss of function.
COL1A1-related disorder. Also called: COL1A1-related condition; COL1A1- related disease.

Submissions (2):

Blueprint Genetics
Classification: Likely pathogenic for COL1A1-related disorders. Last evaluated: 2022-12-15. Review status: criteria provided, single submitter. Criteria: ACMG Guidelines, 2015. Collection method: clinical testing. Allele origin: germline. Affected: yes. Observed: 1 variant allele.

Clinical Biomedical Laboratory, Shriners Hospital For Children - Canada
Classification: Pathogenic for Osteogenesis imperfecta type I. Review status: criteria provided, single submitter. Criteria: ACMG Guidelines, 2015. Collection method: clinical testing. Allele origin: germline. Affected: yes.
Comment: This variant is predicted to substitute a tyrosine residue by a stop codon. This is expected to lead to degradation of the affected transcript and loss of function of the affected allele. This variant is absent from the Genome Aggregation Database (v2.1.1.), indicating it is very rare. Based on the ACMG variant interpretation guidelines (criteria: PVS1, PM2, PP4), the available evidence supports classification of this variant as pathogenic.